The following is an entry in ClinVar:

ClinVar aggregate classification (germline): Pathogenic (0 of 4 stars; one submission).

Conditions:
Cholestanol storage disease (CTX). Also called: CEREBRAL CHOLESTERINOSIS; Cerebrotendinous Xanthomatosis; CTX: Cerebrotendinous xanthomatosis. Identifiers: Orphanet 909, MedGen C0238052, MONDO:0008948, OMIM 213700.

Submission:

GeneReviews
Classification: Pathogenic for Cerebrotendinous Xanthomatosis. Last evaluated: 2013-08-01. Review status: no assertion criteria provided. Collection method: curation. Allele origin: unknown.
ClinVar note: Converted during submission from pathologic to Pathogenic.

NM_000784.4(CYP27A1):c.1222G>T (p.Glu408Ter)

Gene: CYP27A1 (cytochrome P450 family 27 subfamily A member 1; plus strand). Cytogenetic location: 2q35.
Variant type: single nucleotide variant.
Coding change: c.1222G>T on transcript NM_000784.4 (MANE Select); coding-DNA position 1222, G replaced by T.
Protein change: p.Glu408Ter; replaces glutamic acid 408 with a stop codon.
Molecular consequence: nonsense.
Genome position (GRCh38, 1-based): chr2:218,814,417, G>T. VCF-style: chr2-218814417-G-T. GRCh37 (hg19) VCF-style: chr2-219679140-G-T.
Other names: c.1222G>T; short protein forms E408*.
Identifiers: ClinVar variation 65839 (VCV000065839.3), dbSNP rs587778782, ClinGen allele CA345171.